The following is an entry in ClinVar:

NM_207122.2(EXT2):c.610del (p.Asp204fs)

Gene: EXT2 (exostosin glycosyltransferase 2; plus strand). Cytogenetic location: 11p11.2.
Variant type: Deletion.
Coding change: c.610del on transcript NM_207122.2 (MANE Select); coding-DNA position 610, one base deleted (G; older notation c.610delG).
Protein change: p.Asp204fs; shifts the reading frame from aspartic acid 204.
Molecular consequence: frameshift variant.
Genome position (GRCh38, 1-based): chr11:44,109,267, G deleted; the last of 2 consecutive G bases (chr11:44,109,266-44,109,267); deleting either gives the same sequence. VCF-style (leftmost placement, unchanged base first): chr11-44109265-TG-T. GRCh37 (hg19) VCF-style: chr11-44130815-TG-T.
Other names: c.709del, p.Asp237fs (NM_000401.3); c.610del, p.Asp204fs (NM_001178083.3, NM_001389628.1, NM_001389630.1); short protein forms D204fs, D237fs.
Identifiers: ClinVar variation 2137058 (VCV002137058.4), dbSNP rs2539521823, ClinGen allele CA2580084108.

ClinVar aggregate classification (germline): Pathogenic (1 of 4 stars; one submission).

Conditions:
Exostoses, multiple, type 2 (EXT2). Also called: Hereditary Multiple Osteochondromatosis, Type II; EXOSTOSES, MULTIPLE, TYPE II. Identifiers: Orphanet 321, MedGen C1851413, MONDO:0007586, OMIM 133701.

Submission:

Labcorp Genetics (formerly Invitae), Labcorp
Classification: Pathogenic for Exostoses, multiple, type 2. Last evaluated: 2022-07-07. Review status: criteria provided, single submitter. Criteria: Invitae Variant Classification Sherloc (09022015). Collection method: clinical testing. Allele origin: germline.
Comment: This sequence change creates a premature translational stop signal (p.Asp204Metfs*66) in the EXT2 gene. It is expected to result in an absent or disrupted protein product. Loss-of-function variants in EXT2 are known to be pathogenic (PMID: 10679937, 19810120). This variant is not present in population databases (gnomAD no frequency). This premature translational stop signal has been observed in individual(s) with hereditary multiple osteochondromatosis (PMID: 26402641). For these reasons, this variant has been classified as Pathogenic.

Literature cited by the submitters: PubMed 10679937; PubMed 19810120; PubMed 26402641.